The following is an entry in ClinVar:

ClinVar aggregate classification (germline): Likely benign (0 of 4 stars; one submission).

Conditions:
PFKL-related disorder. Also called: PFKL-related condition.

Allele frequency attached by ClinVar (database versions not stated): ESP Exome Variant Server 0.00046; gnomAD exomes 0.00064; 1000 Genomes Project 0.00080; gnomAD 0.00081; ExAC 0.00086; 1000 Genomes Project 30x 0.00094; TOPMed 0.00099.
gnomAD v4.1: 1,092 of 1,607,980 alleles (0.068%); highest among the groups gnomAD compares: Middle Eastern, 0.82%; 6 homozygotes.

Submission:

PreventionGenetics, part of Exact Sciences
Classification: Likely benign for PFKL-related condition. Last evaluated: 2020-08-25. Review status: no assertion criteria provided. Collection method: clinical testing. Allele origin: germline.
Comment: This variant is classified as likely benign based on ACMG/AMP sequence variant interpretation guidelines (Richards et al. 2015 PMID: 25741868, with internal and published modifications).

NM_002626.6(PFKL):c.2283C>T (p.Tyr761=)

Gene: PFKL (phosphofructokinase, liver type; plus strand). Cytogenetic location: 21q22.3.
Variant type: single nucleotide variant.
Coding change: c.2283C>T on transcript NM_002626.6 (MANE Select); coding-DNA position 2283, C replaced by T.
Protein change: p.Tyr761=; no amino-acid change (tyrosine 761 retained).
Molecular consequence: synonymous variant.
Genome position (GRCh38, 1-based): chr21:44,326,802, C>T. VCF-style: chr21-44326802-C-T. GRCh37 (hg19) VCF-style: chr21-45746685-C-T.
Other names: c.2433C>T, p.Tyr811= (NM_001002021.3).
Identifiers: ClinVar variation 3049499 (VCV003049499.2), dbSNP rs146583875, ClinGen allele CA10053417.